The following is an entry in ClinVar:

ClinVar aggregate classification (germline): Likely benign. Review status: criteria provided, single submitter (1 of 4 stars). 2 submissions from 2 submitters: Likely benign (1). 1 of the submissions does not count toward it. Last evaluated 2024-03-13.

Conditions:
LRPPRC-related disorder. Also called: LRPPRC-related condition.

Allele frequency attached by ClinVar (database versions not stated): ExAC 0.00002; gnomAD exomes 0.00002 and 0.00004.
gnomAD v4.1: 23 of 1,611,296 alleles (0.0014%); highest among the groups gnomAD compares: East Asian, 0.0089%; no homozygotes.

Submissions (2):

Labcorp Genetics (formerly Invitae), Labcorp
Classification: Likely benign. Last evaluated: 2024-03-13. Review status: criteria provided, single submitter. Criteria: Invitae Variant Classification Sherloc (09022015). Collection method: clinical testing. Allele origin: germline.

PreventionGenetics, part of Exact Sciences
Classification: Likely benign for LRPPRC-related condition. Last evaluated: 2019-08-08. Review status: no assertion criteria provided. Collection method: clinical testing. Allele origin: germline. Not counted in ClinVar's aggregate classification.
Comment: This variant is classified as likely benign based on ACMG/AMP sequence variant interpretation guidelines (Richards et al. 2015 PMID: 25741868, with internal and published modifications).

NM_133259.4(LRPPRC):c.2583C>T (p.Val861=)

Gene: LRPPRC (leucine rich pentatricopeptide repeat containing; minus strand). Cytogenetic location: 2p21.
Variant type: single nucleotide variant.
Coding change: c.2583C>T on transcript NM_133259.4 (MANE Select); coding-DNA position 2583, C replaced by T.
Protein change: p.Val861=; no amino-acid change (valine 861 retained).
Molecular consequence: synonymous variant.
Genome position (GRCh38, 1-based): chr2:43,934,800, G>A on the plus strand (C>T on the coding strand, the complement: LRPPRC is on the minus strand). VCF-style: chr2-43934800-G-A. GRCh37 (hg19) VCF-style: chr2-44161939-G-A.
Other names: c.2583C>T (NM_133259.3).
Identifiers: ClinVar variation 1665257 (VCV001665257.10), dbSNP rs746001914, ClinGen allele CA1638415.